The following is an entry in ClinVar:

NM_021008.4(DEAF1):c.197T>G (p.Val66Gly)

Gene: DEAF1 (DEAF1 transcription factor; minus strand). Cytogenetic location: 11p15.5.
Variant type: single nucleotide variant.
Coding change: c.197T>G on transcript NM_021008.4 (MANE Select); coding-DNA position 197, T replaced by G.
Protein change: p.Val66Gly; replaces valine 66 with glycine.
Molecular consequence: missense variant. On other transcripts: intron variant (1).
Genome position (GRCh38, 1-based): chr11:694,851, A>C on the plus strand (T>G on the coding strand, the complement: DEAF1 is on the minus strand). VCF-style: chr11-694851-A-C. GRCh37 (hg19) VCF-style: chr11-694851-A-C.
Other names: c.197T>G, p.Val66Gly (NM_001293634.2); c.-437-3253T>G (NM_001367390.1); short protein forms V66G.
Identifiers: ClinVar variation 1712285 (VCV001712285.6), dbSNP rs1456712620, ClinGen allele CA378939447.

ClinVar aggregate classification (germline): Uncertain significance. Review status: criteria provided, multiple submitters, no conflicts (2 of 4 stars). 2 submissions from 2 submitters: Uncertain significance (2). Last evaluated 2024-10-28.

Conditions:
Intellectual disability, autosomal dominant 24 (VSVS). Also called: VULTO-VAN SILFHOUT-DE VRIES SYNDROME. Identifiers: MedGen C4014414, MONDO:0014357, OMIM 615828.

Allele frequency attached by ClinVar (database versions not stated): TOPMed below 0.00001; gnomAD 0.00003.
gnomAD v4.1: 16 of 1,490,074 alleles (0.0011%); highest among the groups gnomAD compares: African/African-American, 0.0072%; no homozygotes.

Submissions (2):

Labcorp Genetics (formerly Invitae), Labcorp
Classification: Uncertain significance. Last evaluated: 2024-10-28. Review status: criteria provided, single submitter. Criteria: Invitae Variant Classification Sherloc (09022015). Collection method: clinical testing. Allele origin: germline.
Comment: This sequence change replaces valine, which is neutral and non-polar, with glycine, which is neutral and non-polar, at codon 66 of the DEAF1 protein (p.Val66Gly). This variant is present in population databases (no rsID available, gnomAD 0.01%). This variant has not been reported in the literature in individuals affected with DEAF1-related conditions. ClinVar contains an entry for this variant (Variation ID: 1712285). Invitae Evidence Modeling of protein sequence and biophysical properties (such as structural, functional, and spatial information, amino acid conservation, physicochemical variation, residue mobility, and thermodynamic stability) has been performed for this missense variant. However, the output from this modeling did not meet the statistical confidence thresholds required to predict the impact of this variant on DEAF1 protein function. In summary, the available evidence is currently insufficient to determine the role of this variant in disease. Therefore, it has been classified as a Variant of Uncertain Significance.

UNC Molecular Genetics  Laboratory, University of North Carolina at Chapel Hill
Classification: Uncertain significance for Intellectual disability, autosomal dominant 24. Last evaluated: 2022-03-08. Review status: criteria provided, single submitter. Criteria: ACMG Guidelines, 2015. Collection method: research. Allele origin: paternal. Observed: 1 variant allele. Study: CSER_NCGENES_2.
Comment: DEAF1 c.197T>G p.(Val66Gly) is a missense variant which is predicted to change a single amino acid from a valine to a glycine in a poorly conserved and repetitive region of the encoded protein. This variant is observed in gnomAD v2.1.1 with a global minor allele frequency of 0.003% (1 allele/30,510 alleles). Most reported pathogenic variants are missense variants which occur at highly conserved residues within the SAND (Sp-100, AIRE, NucP41/75 and DEAF1) domain (corresponding to amino acids 198-272) (PMID 24726472, 30923367, 33705764). The DEAF1 p.Val66Gly missense variant is outside of this domain, occurring at amino acid 66. Since the functional consequence of this variant is unknown, it is classified as a variant of uncertain significance.